The following is an entry in ClinVar:

ClinVar aggregate classification (germline): Likely benign. Review status: criteria provided, multiple submitters, no conflicts (2 of 4 stars). 3 submissions from 3 submitters: Likely benign (3). Last evaluated 2026-07-14.

Conditions:
ZNF423-related disorder. Also called: ZNF423-related condition.
Nephronophthisis 14 (NPHP14). Identifiers: Orphanet 2318, MedGen C3539071, MONDO:0013916, OMIM 614844.

Allele frequency attached by ClinVar (database versions not stated): gnomAD 0.00001; TOPMed 0.00001; gnomAD exomes 0.00003; ExAC 0.00004.
gnomAD v4.1: 42 of 1,613,744 alleles (0.0026%); highest among the groups gnomAD compares: East Asian, 0.042%; no homozygotes.

Submissions (3):

PreventionGenetics, part of Exact Sciences
Classification: Likely benign for ZNF423-related condition. Last evaluated: 2026-07-14. Review status: criteria provided, single submitter. Criteria: ACMG Guidelines, 2015. Collection method: clinical testing. Allele origin: germline.
Comment: This variant is classified as likely benign based on ACMG/AMP sequence variant interpretation guidelines (Richards et al. 2015 PMID: 25741868, with internal and published modifications).

Labcorp Genetics (formerly Invitae), Labcorp
Classification: Likely benign for Nephronophthisis 14. Last evaluated: 2025-02-25. Review status: criteria provided, single submitter. Criteria: Invitae Variant Classification Sherloc (09022015). Collection method: clinical testing. Allele origin: germline.

Blueprint Genetics
Classification: Likely benign. Last evaluated: 2023-07-27. Review status: criteria provided, single submitter. Criteria: ACMG Guidelines, 2015. Collection method: clinical testing. Allele origin: germline.

NM_001379286.1(ZNF423):c.594C>T (p.Gly198=)

Gene: ZNF423 (zinc finger protein 423; minus strand). Cytogenetic location: 16q12.1.
Variant type: single nucleotide variant.
Coding change: c.594C>T on transcript NM_001379286.1 (MANE Select); coding-DNA position 594, C replaced by T.
Protein change: p.Gly198=; no amino-acid change (glycine 198 retained).
Molecular consequence: synonymous variant.
Genome position (GRCh38, 1-based): chr16:49,638,582, G>A on the plus strand (C>T on the coding strand, the complement: ZNF423 is on the minus strand). VCF-style: chr16-49638582-G-A. GRCh37 (hg19) VCF-style: chr16-49672493-G-A.
Other names: c.570C>T (NM_015069.4); c.390C>T, p.Gly130= (NM_001271620.2); c.219C>T, p.Gly73= (NM_001330533.2); c.570C>T, p.Gly190= (NM_015069.5).
Identifiers: ClinVar variation 1966422 (VCV001966422.7), dbSNP rs560621388, ClinGen allele CA8046853.
Genomic context (GRCh38, chr16:49,638,582, plus strand): 5'-CTTGAGGTGGTCGCTGCGGGAGAAGGCTGCCTCGCACTCGTGGCAGTGATACTTCTTGTC[G>A]CCCGTATGCAGCTTGATGTGCCGGTCACGGCTCCTCTTGTGCTTGAAGAGGCGGCTGCAG-3'
Protein context (NP_001366215.1, residues 188-208): SRDRHIKLHT[Gly198=]DKKYHCHECE